The following is an entry in ClinVar:

NM_007192.4(SUPT16H):c.1045G>C (p.Gly349Arg)

Gene: SUPT16H (SPT16 homolog, facilitates chromatin remodeling subunit; minus strand). Cytogenetic location: 14q11.2.
Variant type: single nucleotide variant.
Coding change: c.1045G>C on transcript NM_007192.4 (MANE Select); coding-DNA position 1045, G replaced by C.
Protein change: p.Gly349Arg; replaces glycine 349 with arginine.
Molecular consequence: missense variant.
Genome position (GRCh38, 1-based): chr14:21,366,440, C>G on the plus strand (G>C on the coding strand, the complement: SUPT16H is on the minus strand). VCF-style: chr14-21366440-C-G. GRCh37 (hg19) VCF-style: chr14-21834599-C-G.
Other names: short protein forms G349R.
Identifiers: ClinVar variation 5008718 (VCV005008718.1).
Genomic context (GRCh38, chr14:21,366,440, plus strand): 5'-GACCACTGACAGTCTAACTGAAAACTGACTCAAGAATGACAATAGACATCATGGCATACC[C>G]TAGGTTTTTGGTAATTTTGTTCAGCAGTTCTGGCTTCTGCTTTTTAACCACGTCCATGAC-3'
Protein context (NP_009123.1, residues 339-359): ELLNKITKNL[Gly349Arg]FGMGIEFREG

ClinVar aggregate classification (germline): Uncertain significance (1 of 4 stars; one submission).

Submission:

GeneDx
Classification: Uncertain significance. Last evaluated: 2026-03-06. Review status: criteria provided, single submitter. Criteria: GeneDx Variant Classification Process June 2021. Collection method: clinical testing. Allele origin: germline.
Comment: Not observed at significant frequency in large population cohorts (gnomAD); In silico analysis supports that this missense variant has a deleterious effect on protein structure/function; Has not been previously published as pathogenic or benign to our knowledge